The following is an entry in ClinVar:

NM_001854.4(COL11A1):c.3889G>A (p.Gly1297Arg)

Gene: COL11A1 (collagen type XI alpha 1 chain; minus strand). Cytogenetic location: 1p21.1.
Variant type: single nucleotide variant.
Coding change: c.3889G>A on transcript NM_001854.4 (MANE Select); coding-DNA position 3889, G replaced by A.
Protein change: p.Gly1297Arg; replaces glycine 1297 with arginine.
Molecular consequence: missense variant. On other transcripts: non-coding transcript variant (1).
Genome position (GRCh38, 1-based): chr1:102,914,739, C>T on the plus strand (G>A on the coding strand, the complement: COL11A1 is on the minus strand). VCF-style: chr1-102914739-C-T. GRCh37 (hg19) VCF-style: chr1-103380295-C-T.
Other names: c.3541G>A, p.Gly1181Arg (NM_001168249.1, NM_080630.4); c.3772G>A, p.Gly1258Arg (NM_001190709.2); c.3925G>A, p.Gly1309Arg (NM_080629.3); short protein forms G1181R, G1258R, G1297R, G1309R.
Identifiers: ClinVar variation 2505017 (VCV002505017.1), dbSNP rs2101032511, ClinGen allele CA341161340.
Genomic context (GRCh38, chr1:102,914,739, plus strand): 5'-ATTAGAGGGGACCAAACTCACTTACCGGGTTACCCTTAGGGCCATCATCACCTGGTGGCC[C>T]CTTGGCACCTGGAGGTCCAGCAGCTCCAGGTGGACCAGCTTCCCCTTTCTCTCCTCTTTC-3'
Protein context (NP_001845.3, residues 1287-1307): PGAAGPPGAK[Gly1297Arg]PPGDDGPKGN

ClinVar aggregate classification (germline): Uncertain significance (1 of 4 stars; one submission).

Submission:

GeneDx
Classification: Uncertain significance. Last evaluated: 2022-12-07. Review status: criteria provided, single submitter. Criteria: GeneDx Variant Classification Process June 2021. Collection method: clinical testing. Allele origin: germline. Affected: yes.
Comment: Not observed at significant frequency in large population cohorts (gnomAD); In silico analysis supports that this missense variant has a deleterious effect on protein structure/function; Has not been previously published as pathogenic or benign to our knowledge; This variant is associated with the following publications: (PMID: 25240749)